The following is an entry in ClinVar:

NM_000384.3(APOB):c.7775C>T (p.Thr2592Ile)

Gene: APOB (apolipoprotein B; minus strand). Cytogenetic location: 2p24.1.
Variant type: single nucleotide variant.
Coding change: c.7775C>T on transcript NM_000384.3 (MANE Select); coding-DNA position 7775, C replaced by T.
Protein change: p.Thr2592Ile; replaces threonine 2592 with isoleucine.
Molecular consequence: missense variant.
Genome position (GRCh38, 1-based): chr2:21,009,093, G>A on the plus strand (C>T on the coding strand, the complement: APOB is on the minus strand). VCF-style: chr2-21009093-G-A. GRCh37 (hg19) VCF-style: chr2-21231965-G-A.
Other names: short protein forms T2592I.
Identifiers: ClinVar variation 3231455 (VCV003231455.1), dbSNP rs1322531458, ClinGen allele CA345996140.
Genomic context (GRCh38, chr2:21,009,093, plus strand): 5'-AAGGTAGCTTTCTGAAGAGCCTGAAGACTGACTTCAAAGGCAGGCATGGTCCCAAGGATG[G>A]TCTTGATTTCAGGAACAGTGAACCCTTGCTCTACCAATGCTTTCATACGTTTAGCCCAAT-3'
Protein context (NP_000375.3, residues 2582-2602): EQGFTVPEIK[Thr2592Ile]ILGTMPAFEV

ClinVar aggregate classification (germline): Uncertain significance (1 of 4 stars; one submission).

Conditions:
Cardiovascular phenotype. Identifiers: MedGen CN230736.

gnomAD v4.1: 1 of 1,614,058 alleles (0.000062%); highest among the groups gnomAD compares: Non-Finnish European, 0.000085%; no homozygotes.

Submission:

Ambry Genetics
Classification: Uncertain significance for Cardiovascular phenotype. Last evaluated: 2023-09-28. Review status: criteria provided, single submitter. Criteria: Ambry Variant Classification Scheme 2023. Collection method: clinical testing. Allele origin: germline.
Comment: The p.T2592I variant (also known as c.7775C>T), located in coding exon 26 of the APOB gene, results from a C to T substitution at nucleotide position 7775. The threonine at codon 2592 is replaced by isoleucine, an amino acid with similar properties. This amino acid position is conserved. In addition, this alteration is predicted to be tolerated by in silico analysis. Since supporting evidence is limited at this time, the clinical significance of this alteration remains unclear.